The following is an entry in ClinVar:

ClinVar aggregate classification (germline): Pathogenic (1 of 4 stars; one submission).

Submission:

Labcorp Genetics (formerly Invitae), Labcorp
Classification: Pathogenic. Last evaluated: 2019-11-01. Review status: criteria provided, single submitter. Criteria: Invitae Variant Classification Sherloc (09022015). Collection method: clinical testing. Allele origin: germline.
Comment: This variant is a gross deletion of the genomic region encompassing exons 2-7 of the TRPM1 gene, which includes the initiator codon. The 5' end of this event is unknown as it extends beyond the assayed region for this gene and therefore may encompass additional genes. The 3' boundary is likely confined to intron 7 of the TRPM1 gene. This is expected to result in an absent or disrupted protein product. Deletion of exons 2-7 has been observed to be homozygous in several individuals affected with congenital stationary nightblindness and has been suggested to be a founder mutation in the Ashkenazi Jewish population (PMID: 19896109, 28726569). ClinVar contains an entry for this variant (Variation ID: 6229). Loss-of-function variants in TRPM1 are known to be pathogenic (PMID: 19896113, 19966281, 20300565). For these reasons, this variant has been classified as Pathogenic.

Literature cited by the submitters: PubMed 19896109; PubMed 28726569.

NC_000015.10:g.(?_31063118)_(31081355_?)del

Genes: MIR211 (microRNA 211; minus strand), TRPM1 (transient receptor potential cation channel subfamily M member 1; minus strand). Cytogenetic location: 15q13.3.
Variant type: Deletion.
Identifiers: ClinVar variation 831222 (VCV000831222.1).